The following is an entry in ClinVar:

ClinVar aggregate classification (germline): Uncertain significance (1 of 4 stars; one submission).

gnomAD v4.1: 9 of 1,609,222 alleles (0.00056%); highest among the groups gnomAD compares: Non-Finnish European, 0.00076%; no homozygotes.

Submission:

GeneDx
Classification: Uncertain significance. Last evaluated: 2026-02-10. Review status: criteria provided, single submitter. Criteria: GeneDx Variant Classification Process June 2021. Collection method: clinical testing. Allele origin: germline.
Comment: Not observed at significant frequency in large population cohorts (gnomAD); In silico analysis supports that this missense variant has a deleterious effect on protein structure/function; Has not been previously published as pathogenic or benign to our knowledge

NM_013450.4(BAZ2B):c.3687T>A (p.Ser1229Arg)

Gene: BAZ2B (bromodomain adjacent to zinc finger domain 2B; minus strand). Cytogenetic location: 2q24.2.
Variant type: single nucleotide variant.
Coding change: c.3687T>A on transcript NM_013450.4 (MANE Select); coding-DNA position 3687, T replaced by A.
Protein change: p.Ser1229Arg; replaces serine 1229 with arginine.
Molecular consequence: missense variant.
Genome position (GRCh38, 1-based): chr2:159,383,680, A>T on the plus strand (T>A on the coding strand, the complement: BAZ2B is on the minus strand). VCF-style: chr2-159383680-A-T. GRCh37 (hg19) VCF-style: chr2-160240191-A-T.
Other names: c.3579T>A, p.Ser1193Arg (NM_001289975.1); c.3525T>A, p.Ser1175Arg (NM_001329857.2); c.3612T>A, p.Ser1204Arg (NM_001329858.2); short protein forms S1175R, S1193R, S1204R, S1229R.
Identifiers: ClinVar variation 4976306 (VCV004976306.1).